The following is an entry in ClinVar:

ClinVar aggregate classification (germline): Uncertain significance (1 of 4 stars; one submission).

gnomAD v4.1: 2 of 1,614,290 alleles (0.00012%); highest among the groups gnomAD compares: South Asian, 0.0011%; no homozygotes.

Submission:

Labcorp Genetics (formerly Invitae), Labcorp
Classification: Uncertain significance. Last evaluated: 2022-05-06. Review status: criteria provided, single submitter. Criteria: Invitae Variant Classification Sherloc (09022015). Collection method: clinical testing. Allele origin: germline.
Comment: This sequence change replaces leucine, which is neutral and non-polar, with tryptophan, which is neutral and slightly polar, at codon 2113 of the NBAS protein (p.Leu2113Trp). In summary, the available evidence is currently insufficient to determine the role of this variant in disease. Therefore, it has been classified as a Variant of Uncertain Significance. Algorithms developed to predict the effect of missense changes on protein structure and function output the following: SIFT: "Deleterious"; PolyPhen-2: "Benign"; Align-GVGD: "Class C55". The tryptophan amino acid residue is found in multiple mammalian species, which suggests that this missense change does not adversely affect protein function. This variant has not been reported in the literature in individuals affected with NBAS-related conditions. This variant is not present in population databases (gnomAD no frequency).

NM_015909.4(NBAS):c.6338T>G (p.Leu2113Trp)

Gene: NBAS (NBAS subunit of NRZ tethering complex; minus strand). Cytogenetic location: 2p24.3.
Variant type: single nucleotide variant.
Coding change: c.6338T>G on transcript NM_015909.4 (MANE Select); coding-DNA position 6338, T replaced by G.
Protein change: p.Leu2113Trp; replaces leucine 2113 with tryptophan.
Molecular consequence: missense variant.
Genome position (GRCh38, 1-based): chr2:15,218,867, A>C on the plus strand (T>G on the coding strand, the complement: NBAS is on the minus strand). VCF-style: chr2-15218867-A-C. GRCh37 (hg19) VCF-style: chr2-15358991-A-C.
Other names: short protein forms L2113W.
Identifiers: ClinVar variation 1345850 (VCV001345850.8), dbSNP rs2147884568, ClinGen allele CA345884525.